The following is an entry in ClinVar:

NM_005762.3(TRIM28):c.1611G>A (p.Ala537=)

Gene: TRIM28 (tripartite motif containing 28; plus strand). Cytogenetic location: 19q13.43.
Variant type: single nucleotide variant.
Coding change: c.1611G>A on transcript NM_005762.3 (MANE Select); coding-DNA position 1611, G replaced by A.
Protein change: p.Ala537=; no amino-acid change (alanine 537 retained).
Molecular consequence: synonymous variant.
Genome position (GRCh38, 1-based): chr19:58,549,189, G>A. VCF-style: chr19-58549189-G-A. GRCh37 (hg19) VCF-style: chr19-59060556-G-A.
Other names: c.1611G>A (NM_005762.2).
Identifiers: ClinVar variation 2650599 (VCV002650599.28), dbSNP rs142762100, ClinGen allele CA9719319.

ClinVar aggregate classification (germline): Benign/Likely benign. Review status: criteria provided, multiple submitters, no conflicts (2 of 4 stars). 3 submissions from 3 submitters: Benign (1); Likely benign (1). 1 of the submissions does not count toward it. Last evaluated 2026-08-01.

Conditions:
TRIM28-related disorder. Also called: TRIM28-related condition.

Allele frequency attached by ClinVar (database versions not stated): 1000 Genomes Project 30x 0.00016; 1000 Genomes Project 0.00020; ESP Exome Variant Server 0.00054; ExAC 0.00101.
gnomAD v4.1: 1,156 of 1,613,908 alleles (0.072%); highest among the groups gnomAD compares: Middle Eastern, 1.3%; 4 homozygotes.

Submissions (3):

CeGaT Center for Human Genetics Tuebingen
Classification: Likely benign. Last evaluated: 2026-08-01. Review status: criteria provided, single submitter. Criteria: CeGaT Center For Human Genetics Tuebingen Variant Classification Criteria Version 2. Collection method: clinical testing. Allele origin: germline. Affected: yes. Observed: 11 variant alleles.
Comment: TRIM28: BP4, BP7

Labcorp Genetics (formerly Invitae), Labcorp
Classification: Benign. Last evaluated: 2025-12-22. Review status: criteria provided, single submitter. Criteria: Invitae Variant Classification Sherloc (09022015). Collection method: clinical testing. Allele origin: germline.

PreventionGenetics, part of Exact Sciences
Classification: Benign for TRIM28-related condition. Last evaluated: 2019-11-12. Review status: no assertion criteria provided. Collection method: clinical testing. Allele origin: germline. Not counted in ClinVar's aggregate classification.
Comment: This variant is classified as benign based on ACMG/AMP sequence variant interpretation guidelines (Richards et al. 2015 PMID: 25741868, with internal and published modifications).